The following is an entry in ClinVar:

NM_000257.4(MYH7):c.489_491dup (p.Tyr164Ter)

Gene: MYH7 (myosin heavy chain 7; minus strand). Cytogenetic location: 14q11.2.
Variant type: Duplication.
Coding change: c.489_491dup on transcript NM_000257.4 (MANE Select); coding-DNA positions 489 to 491, 3 bases duplicated (GTA; older notation c.489_491dupGTA).
Protein change: p.Tyr164Ter; replaces tyrosine 164 with a stop codon.
Molecular consequence: nonsense.
Genome position (GRCh38, 1-based): chr14:23,432,650-23,432,652, TAC duplicated on the plus strand (GTA on the coding strand, the reverse complement: MYH7 is on the minus strand); duplicating any 3 consecutive bases within chr14:23,432,650-23,432,653 gives the same sequence; the c. name uses the placement nearest the transcript's 3' end. VCF-style (leftmost placement, unchanged base first): chr14-23432649-G-GTAC. GRCh37 (hg19) VCF-style: chr14-23901858-G-GTAC.
Other names: short protein forms Y164*.
Identifiers: ClinVar variation 850795 (VCV000850795.7), dbSNP rs1892995265, ClinGen allele CA916081719.

ClinVar aggregate classification (germline): Uncertain significance (1 of 4 stars; one submission).

Conditions:
Hypertrophic cardiomyopathy. Also called: HYPERTROPHIC MYOCARDIOPATHY. Identifiers: Orphanet 217569, MedGen C0007194, MeSH D002312, MONDO:0005045, HP:0001639.

Submission:

Labcorp Genetics (formerly Invitae), Labcorp
Classification: Uncertain significance for Hypertrophic cardiomyopathy. Last evaluated: 2022-08-16. Review status: criteria provided, single submitter. Criteria: Invitae Variant Classification Sherloc (09022015). Collection method: clinical testing. Allele origin: germline.
Comment: This variant is not present in population databases (gnomAD no frequency). This sequence change creates a premature translational stop signal (p.Tyr164*) in the MYH7 gene. It is expected to result in an absent or disrupted protein product. However, the current clinical and genetic evidence is not sufficient to establish whether loss-of-function variants in MYH7 cause disease. In summary, the available evidence is currently insufficient to determine the role of this variant in disease. Therefore, it has been classified as a Variant of Uncertain Significance. ClinVar contains an entry for this variant (Variation ID: 850795). This variant has not been reported in the literature in individuals affected with MYH7-related conditions.